The following is an entry in ClinVar:

ClinVar aggregate classification (germline): Benign/Likely benign. Review status: criteria provided, multiple submitters, no conflicts (2 of 4 stars). 6 submissions from 6 submitters: Benign (1); Likely benign (4). 1 of the submissions does not count toward it. Last evaluated 2026-01-25.

Conditions:
MSH6-related disorder. Also called: MSH6-related condition; MSH6-Related disorders.
Hereditary nonpolyposis colorectal neoplasms. Identifiers: MedGen C0009405, MeSH D003123.
Hereditary cancer-predisposing syndrome. Also called: Tumor predisposition; Hereditary Cancer Syndrome; Hereditary neoplastic syndrome; Neoplastic Syndromes, Hereditary. Identifiers: Orphanet 140162, MedGen C0027672, MeSH D009386, MONDO:0015356.
Lynch syndrome 5 (LYNCH5). Also called: Colorectal cancer, hereditary nonpolyposis, type 5; Hereditary non-polyposis colorectal cancer, type 5. Identifiers: Orphanet 144, MedGen C1833477, MONDO:0013710, OMIM 614350. Disease mechanism: loss of function.

Allele frequency attached by ClinVar (database versions not stated): gnomAD 0.00001; gnomAD exomes 0.00001; TOPMed 0.00001.
gnomAD v4.1: 23 of 1,614,024 alleles (0.0014%); highest among the groups gnomAD compares: Non-Finnish European, 0.0019%; no homozygotes.

Submissions (6):

Labcorp Genetics (formerly Invitae), Labcorp
Classification: Likely benign for Hereditary nonpolyposis colorectal neoplasms. Last evaluated: 2026-01-25. Review status: criteria provided, single submitter. Criteria: Invitae Variant Classification Sherloc (09022015). Collection method: clinical testing. Allele origin: germline.

Myriad Genetics, Inc.
Classification: Benign for Lynch syndrome 5. Last evaluated: 2024-12-31. Review status: criteria provided, single submitter. Criteria: Myriad Autosomal Dominant, Autosomal Recessive and X-Linked Classification Criteria (2023). Collection method: clinical testing. Allele origin: unknown.
Comment: This variant is considered benign. This variant is a silent/synonymous amino acid change and it is not expected to impact splicing.

Color Diagnostics, LLC DBA Color Health
Classification: Likely benign for Hereditary cancer-predisposing syndrome. Last evaluated: 2018-11-26. Review status: criteria provided, single submitter. Criteria: ACMG Guidelines, 2015. Collection method: clinical testing. Allele origin: germline.

GeneDx
Classification: Likely benign. Last evaluated: 2017-04-05. Review status: criteria provided, single submitter. Criteria: GeneDx Variant Classification (06012015). Collection method: clinical testing. Allele origin: germline. Affected: yes.
Comment: This variant is considered likely benign or benign based on one or more of the following criteria: it is a conservative change, it occurs at a poorly conserved position in the protein, it is predicted to be benign by multiple in silico algorithms, and/or has population frequency not consistent with disease.

Ambry Genetics
Classification: Likely benign for Hereditary cancer-predisposing syndrome. Last evaluated: 2016-01-08. Review status: criteria provided, single submitter. Criteria: Ambry Variant Classification Scheme 2023. Collection method: clinical testing. Allele origin: germline.

PreventionGenetics, part of Exact Sciences
Classification: Likely benign for MSH6-related condition. Last evaluated: 2024-08-19. Review status: no assertion criteria provided. Collection method: clinical testing. Allele origin: germline. Not counted in ClinVar's aggregate classification.
Comment: This variant is classified as likely benign based on ACMG/AMP sequence variant interpretation guidelines (Richards et al. 2015 PMID: 25741868, with internal and published modifications).

NM_000179.3(MSH6):c.2658C>T (p.Ile886=)

Gene: MSH6 (mutS homolog 6; plus strand). Cytogenetic location: 2p16.3.
Variant type: single nucleotide variant.
Coding change: c.2658C>T on transcript NM_000179.3 (MANE Select); coding-DNA position 2658, C replaced by T.
Protein change: p.Ile886=; no amino-acid change (isoleucine 886 retained).
Molecular consequence: synonymous variant.
Genome position (GRCh38, 1-based): chr2:47,800,641, C>T. VCF-style: chr2-47800641-C-T. GRCh37 (hg19) VCF-style: chr2-48027780-C-T.
Other names: c.2268C>T, p.Ile756= (NM_001281492.2); c.1752C>T, p.Ile584= (NM_001281493.2, NM_001281494.2).
Identifiers: ClinVar variation 183741 (VCV000183741.20), dbSNP rs786201051, ClinGen allele CA010678.
Genomic context (GRCh38, chr2:47,800,641, plus strand): 5'-AGTAATGTGTAAAATTATAGGGATCATGGAAGAAGTTGCTGATGGTTTTAAGTCTAAAAT[C>T]CTTAAGCAGGTCATCTCTCTGCAGACAAAAAATCCTGAAGGTCGTTTTCCTGATTTGACT-3'
Protein context (NP_000170.1, residues 876-896): EEVADGFKSK[Ile886=]LKQVISLQTK